The following is an entry in ClinVar:

NM_001374828.1(ARID1B):c.4524G>A (p.Lys1508=)

Gene: ARID1B (AT-rich interaction domain 1B; plus strand). Cytogenetic location: 6q25.3.
Variant type: single nucleotide variant.
Coding change: c.4524G>A on transcript NM_001374828.1 (MANE Select); coding-DNA position 4524, G replaced by A.
Protein change: p.Lys1508=; no amino-acid change (lysine 1508 retained).
Molecular consequence: synonymous variant.
Genome position (GRCh38, 1-based): chr6:157,200,749, G>A. VCF-style: chr6-157200749-G-A. GRCh37 (hg19) VCF-style: chr6-157521883-G-A.
Other names: c.4275G>A, p.Lys1425= (NM_001346813.1); c.2025G>A, p.Lys675= (NM_001363725.2); c.4404G>A, p.Lys1468= (NM_001371656.1, NM_001374820.1); c.4365G>A, p.Lys1455= (NM_017519.3); c.4155G>A, p.Lys1385= (NM_020732.3); c.3942G>A, p.Lys1314= (NM_175863.2).
Identifiers: ClinVar variation 3061464 (VCV003061464.2), dbSNP rs889336959, ClinGen allele CA150369680.

ClinVar aggregate classification (germline): Likely benign (0 of 4 stars; one submission).

Conditions:
ARID1B-Related Disorder. Identifiers: MedGen CN381337.

Allele frequency attached by ClinVar (database versions not stated): gnomAD exomes below 0.00001; gnomAD 0.00001; TOPMed 0.00002.
gnomAD v4.1: 3 of 1,613,332 alleles (0.00019%); highest among the groups gnomAD compares: African/African-American, 0.0013%; no homozygotes.

Submission:

PreventionGenetics, part of Exact Sciences
Classification: Likely benign for ARID1B-related condition. Last evaluated: 2022-02-11. Review status: no assertion criteria provided. Collection method: clinical testing. Allele origin: germline.
Comment: This variant is classified as likely benign based on ACMG/AMP sequence variant interpretation guidelines (Richards et al. 2015 PMID: 25741868, with internal and published modifications).